The following is an entry in ClinVar:

ClinVar aggregate classification (germline): Benign. Review status: criteria provided, multiple submitters, no conflicts (2 of 4 stars). 3 submissions from 3 submitters: Benign (3). Last evaluated 2024-01-24.

Allele frequency attached by ClinVar (database versions not stated): 1000 Genomes Project 30x 0.97377; ESP Exome Variant Server 0.97529; TOPMed 0.97548; gnomAD 0.97599 and 0.97775; 1000 Genomes Project 0.97684; ExAC 0.99313; gnomAD exomes 0.99437.

Submissions (3):

Unidad de Genómica Garrahan, Hospital de Pediatría Garrahan
Classification: Benign. Last evaluated: 2024-01-24. Review status: criteria provided, single submitter. Criteria: ACMG Guidelines, 2015. Collection method: clinical testing. Allele origin: germline. Affected: no. Observed: 95 variant alleles.
Comment: This variant is classified as Benign based on local population frequency. This variant was detected in 100% of patients studied by a panel of primary immunodeficiencies. Number of patients: 95. Only high quality variants are reported.

GeneDx
Classification: Benign. Last evaluated: 2021-05-10. Review status: criteria provided, single submitter. Criteria: GeneDx Variant Classification Process June 2021. Collection method: clinical testing. Allele origin: germline. Affected: yes.

Breakthrough Genomics
Classification: Benign. Review status: criteria provided, single submitter. Criteria: ACMG Guidelines, 2015. Collection method: not provided. Allele origin: germline. Inheritance: Autosomal recessive inheritance. Affected: yes.

NM_001278.5(CHUK):c.386-26T>C

Gene: CHUK (component of inhibitor of nuclear factor kappa B kinase complex; minus strand). Cytogenetic location: 10q24.31.
Variant type: single nucleotide variant.
Coding change: c.386-26T>C on transcript NM_001278.5 (MANE Select); 26 bases into the intron before coding-DNA position 386, T replaced by C.
Molecular consequence: intron variant.
Genome position (GRCh38, 1-based): chr10:100,220,702, A>G on the plus strand (T>C on the coding strand, the complement: CHUK is on the minus strand). VCF-style: chr10-100220702-A-G. GRCh37 (hg19) VCF-style: chr10-101980459-A-G.
Other names: c.386-26T>C (NM_001320928.2).
Identifiers: ClinVar variation 1259487 (VCV001259487.5), dbSNP rs986266, ClinGen allele CA5646674.
Genomic context (GRCh38, chr10:100,220,702, plus strand): 5'-AATTTTGTTTTCATGCAAATATCGAATCCCAGACCCTAAATAAAGTTTAAAATATACTTT[A>G]AAGTAACAGAAATCATTGAGTTAAAAGAAAAATTCACCTCACATTTTGTACAAATCTACT-3'